The following is an entry in ClinVar:

NM_001193315.2(VIPAS39):c.618_626dup (p.Arg206_Leu208dup)

Gene: VIPAS39 (VPS33B interacting protein, apical-basolateral polarity regulator, spe-39 homolog; minus strand). Cytogenetic location: 14q24.3.
Variant type: Duplication.
Coding change: c.618_626dup on transcript NM_001193315.2 (MANE Select); coding-DNA positions 618 to 626, 9 bases duplicated (GACACTGAG; older notation c.618_626dupGACACTGAG).
Protein change: p.Arg206_Leu208dup.
Molecular consequence: inframe insertion.
Genome position (GRCh38, 1-based): chr14:77,443,124-77,443,132, CTCAGTGTC duplicated on the plus strand (GACACTGAG on the coding strand, the reverse complement: VIPAS39 is on the minus strand); duplicating any 9 consecutive bases within chr14:77,443,124-77,443,135 gives the same sequence; the c. name uses the placement nearest the transcript's 3' end. VCF-style (leftmost placement, unchanged base first): chr14-77443123-G-GCTCAGTGTC. GRCh37 (hg19) VCF-style: chr14-77909466-G-GCTCAGTGTC.
Other names: c.618_626dup, p.Arg206_Leu208dup (NM_001193314.2, NM_001193317.2, NM_022067.4); c.471_479dup, p.Arg157_Leu159dup (NM_001193316.2).
Identifiers: ClinVar variation 627536 (VCV000627536.2), dbSNP rs1594910243, ClinGen allele CA915946341.

ClinVar aggregate classification (germline): Likely pathogenic (1 of 4 stars; one submission).

Conditions:
Arthrogryposis, renal dysfunction, and cholestasis 2 (ARCS2). Identifiers: Orphanet 2697, MedGen C3150672, MONDO:0013255, OMIM 613404.

Submission:

Department of Medical Genetics, Sanjay Gandhi Post Graduate Institute of Medical Sciences
Classification: Likely pathogenic for Arthrogryposis, renal dysfunction, and cholestasis 2. Review status: criteria provided, single submitter. Criteria: ACMG Guidelines, 2015. Collection method: clinical testing. Allele origin: inherited. Inheritance: Autosomal recessive inheritance. Affected: yes. Observed: 1 homozygote.
Comment: Analysis of the data showed a novel homozygous sequence variant in VIPAS39 gene. It is predicted as pathogenic by MutationTaster. This variant is classified as likely pathogenic which shows strong evidence of pathogenicity according to ACMG guidelines (Richards et al., 2015). This variant is not found in ExAC and 1000G databases.